The following is an entry in ClinVar:

NC_000009.11:g.(?_325651)_(386446_?)del

Gene: DOCK8 (dedicator of cytokinesis 8; plus strand). Cytogenetic location: 9p24.3.
Variant type: Deletion.
Identifiers: ClinVar variation 1072710 (VCV001072710.12).

ClinVar aggregate classification (germline): Pathogenic (1 of 4 stars; one submission).

Conditions:
Hyper-IgE recurrent infection syndrome 3, autosomal recessive. Also called: Autosomal recessive hyper-IgE syndrome due to ZNF341 deficiency; HYPER-IgE SYNDROME 3, AUTOSOMAL RECESSIVE, WITH RECURRENT INFECTIONS. Identifiers: Orphanet 641368, MedGen C4748969, MONDO:0032654, OMIM 618282.

Submission:

Labcorp Genetics (formerly Invitae), Labcorp
Classification: Pathogenic for Combined immunodeficiency due to DOCK8 deficiency. Last evaluated: 2022-07-05. Review status: criteria provided, single submitter. Criteria: Invitae Variant Classification Sherloc (09022015). Collection method: clinical testing. Allele origin: germline.
Comment: This variant is a gross deletion of the genomic region encompassing exon(s) 8-23 of the DOCK8 gene. This deletion is out-of-frame, and is expected to create a premature termination codon and result in an absent or disrupted protein product. Loss-of-function variants in DOCK8 are known to be pathogenic (PMID: 14722525, 19776401). For these reasons, this variant has been classified as Pathogenic. This variant has not been reported in the literature in individuals affected with DOCK8-related conditions.

Literature cited by the submitters: PubMed 14722525; PubMed 19776401.